The following is an entry in ClinVar:

NM_018191.4(RCBTB1):c.167C>T (p.Thr56Ile)

Gene: RCBTB1 (RCC1 and BTB domain containing protein 1; minus strand). Cytogenetic location: 13q14.2.
Variant type: single nucleotide variant.
Coding change: c.167C>T on transcript NM_018191.4 (MANE Select); coding-DNA position 167, C replaced by T.
Protein change: p.Thr56Ile; replaces threonine 56 with isoleucine.
Molecular consequence: missense variant. On other transcripts: 5 prime UTR variant (1), non-coding transcript variant (2).
Genome position (GRCh38, 1-based): chr13:49,566,728, G>A on the plus strand (C>T on the coding strand, the complement: RCBTB1 is on the minus strand). VCF-style: chr13-49566728-G-A. GRCh37 (hg19) VCF-style: chr13-50140864-G-A.
Other names: c.167C>T, p.Thr56Ile (NM_001352500.2, NM_001352501.2, NM_001352502.2 and 3 more transcripts); c.-443C>T (NM_001352506.2); short protein forms T56I.
Identifiers: ClinVar variation 1525328 (VCV001525328.5), dbSNP rs769510106, ClinGen allele CA6982969.
Genomic context (GRCh38, chr13:49,566,728, plus strand): 5'-ATCTTCTTTCCACATAAGCCTTCTAGCTTTTTGGGTACAAGTGTACTCTGGTTATCTCCA[G>A]TTCCTAGACAGTTACTATAGTTCAGTCCAAATACAAAGACCTAGAAAATAGATAGTTTTT-3'
Protein context (NP_060661.3, residues 46-66): FGLNYSNCLG[Thr56Ile]GDNQSTLVPK

ClinVar aggregate classification (germline): Uncertain significance (1 of 4 stars; one submission).

Allele frequency attached by ClinVar (database versions not stated): ExAC 0.00001; gnomAD exomes 0.00001 and 0.00002.
gnomAD v4.1: 35 of 1,613,840 alleles (0.0022%); highest among the groups gnomAD compares: Non-Finnish European, 0.003%; no homozygotes.

Submission:

Labcorp Genetics (formerly Invitae), Labcorp
Classification: Uncertain significance. Last evaluated: 2022-07-25. Review status: criteria provided, single submitter. Criteria: Invitae Variant Classification Sherloc (09022015). Collection method: clinical testing. Allele origin: germline.
Comment: In summary, the available evidence is currently insufficient to determine the role of this variant in disease. Therefore, it has been classified as a Variant of Uncertain Significance. Algorithms developed to predict the effect of missense changes on protein structure and function are either unavailable or do not agree on the potential impact of this missense change (SIFT: "Deleterious"; PolyPhen-2: "Benign"; Align-GVGD: "Class C0"). ClinVar contains an entry for this variant (Variation ID: 1525328). This variant has not been reported in the literature in individuals affected with RCBTB1-related conditions. This variant is present in population databases (rs769510106, gnomAD 0.0009%). This sequence change replaces threonine, which is neutral and polar, with isoleucine, which is neutral and non-polar, at codon 56 of the RCBTB1 protein (p.Thr56Ile).